The following is an entry in ClinVar:

NM_000135.4(FANCA):c.71A>G (p.Glu24Gly)

Genes: FANCA (FA complementation group A; minus strand), LOC112486223 (Sharpr-MPRA regulatory region 3988; plus strand). Cytogenetic location: 16q24.3.
Variant type: single nucleotide variant.
Coding change: c.71A>G on transcript NM_000135.4 (MANE Select); coding-DNA position 71, A replaced by G.
Protein change: p.Glu24Gly; replaces glutamic acid 24 with glycine.
Molecular consequence: missense variant.
Genome position (GRCh38, 1-based): chr16:89,816,545, T>C on the plus strand (A>G on the coding strand, the complement: FANCA is on the minus strand). VCF-style: chr16-89816545-T-C. GRCh37 (hg19) VCF-style: chr16-89882953-T-C.
Other names: c.71A>G, p.Glu24Gly (NM_001018112.3, NM_001286167.3, NM_001351830.2); short protein forms E24G.
Identifiers: ClinVar variation 4022094 (VCV004022094.1).
Genomic context (GRCh38, chr16:89,816,545, plus strand): 5'-ACCGTCCCGGGCCGGACGCCGCCCACTCCCGCGGCCTGCCGCGCCCACCTACCCAGCAGC[T>C]CGGCCCAGGCCCTCCGGCGGCCCCCTGGGTCCTGGCCCGAGGCGGAGTTCGGGACCCACG-3'
Protein context (NP_000126.2, residues 14-34): DPGGRRRAWA[Glu24Gly]LLAGRVKREK

ClinVar aggregate classification (germline): Uncertain significance (1 of 4 stars; one submission).

Conditions:
Inborn genetic diseases. Identifiers: MedGen C0950123, MeSH D030342.

Submission:

Ambry Genetics
Classification: Uncertain significance for Inborn genetic diseases. Last evaluated: 2025-03-19. Review status: criteria provided, single submitter. Criteria: Ambry Variant Classification Scheme 2023. Collection method: clinical testing. Allele origin: germline.
Comment: The p.E24G variant (also known as c.71A>G), located in coding exon 1 of the FANCA gene, results from an A to G substitution at nucleotide position 71. The glutamic acid at codon 24 is replaced by glycine, an amino acid with similar properties. This amino acid position is conserved. In addition, the in silico prediction for this alteration is inconclusive. Based on the available evidence, the clinical significance of this variant remains unclear.